The following is an entry in ClinVar:

ClinVar aggregate classification (germline): Uncertain significance. Review status: criteria provided, multiple submitters, no conflicts (2 of 4 stars). 2 submissions from 2 submitters: Uncertain significance (2). Last evaluated 2025-04-11.

Conditions:
Charcot-Marie-Tooth disease dominant intermediate C (CMTDIC). Also called: CHARCOT-MARIE-TOOTH NEUROPATHY, DOMINANT INTERMEDIATE C. Identifiers: Orphanet 100045, MedGen C1842237, MONDO:0012012, OMIM 608323.
Inborn genetic diseases. Identifiers: MedGen C0950123, MeSH D030342.

Allele frequency attached by ClinVar (database versions not stated): gnomAD exomes below 0.00001; TOPMed below 0.00001.
gnomAD v4.1: 1 of 1,614,140 alleles (0.000062%); highest among the groups gnomAD compares: Non-Finnish European, 0.000085%; no homozygotes.

Submissions (2):

Labcorp Genetics (formerly Invitae), Labcorp
Classification: Uncertain significance for Charcot-Marie-Tooth disease dominant intermediate C. Last evaluated: 2025-04-11. Review status: criteria provided, single submitter. Criteria: Invitae Variant Classification Sherloc (09022015). Collection method: clinical testing. Allele origin: germline.
Comment: This sequence change replaces alanine, which is neutral and non-polar, with threonine, which is neutral and polar, at codon 384 of the YARS protein (p.Ala384Thr). This variant is not present in population databases (gnomAD no frequency). This variant has not been reported in the literature in individuals affected with YARS-related conditions. ClinVar contains an entry for this variant (Variation ID: 2317612). Invitae Evidence Modeling of protein sequence and biophysical properties (such as structural, functional, and spatial information, amino acid conservation, physicochemical variation, residue mobility, and thermodynamic stability) has been performed for this missense variant. However, the output from this modeling did not meet the statistical confidence thresholds required to predict the impact of this variant on YARS protein function. In summary, the available evidence is currently insufficient to determine the role of this variant in disease. Therefore, it has been classified as a Variant of Uncertain Significance.

Ambry Genetics
Classification: Uncertain significance for Inborn genetic diseases. Last evaluated: 2022-10-06. Review status: criteria provided, single submitter. Criteria: Ambry Variant Classification Scheme 2023. Collection method: clinical testing. Allele origin: germline.

NM_003680.4(YARS1):c.1150G>A (p.Ala384Thr)

Gene: YARS1 (tyrosyl-tRNA synthetase 1; minus strand). Cytogenetic location: 1p35.1.
Variant type: single nucleotide variant.
Coding change: c.1150G>A on transcript NM_003680.4 (MANE Select); coding-DNA position 1150, G replaced by A.
Protein change: p.Ala384Thr; replaces alanine 384 with threonine.
Molecular consequence: missense variant.
Genome position (GRCh38, 1-based): chr1:32,780,269, C>T on the plus strand (G>A on the coding strand, the complement: YARS1 is on the minus strand). VCF-style: chr1-32780269-C-T. GRCh37 (hg19) VCF-style: chr1-33245870-C-T.
Other names: short protein forms A384T.
Identifiers: ClinVar variation 2317612 (VCV002317612.3), dbSNP rs945849781, ClinGen allele CA20273927.